The following is an entry in ClinVar:

NM_145290.4(ADGRA3):c.1763G>A (p.Ser588Asn)

Gene: ADGRA3 (adhesion G protein-coupled receptor A3; minus strand). Cytogenetic location: 4p15.2.
Variant type: single nucleotide variant.
Coding change: c.1763G>A on transcript NM_145290.4 (MANE Select); coding-DNA position 1763, G replaced by A.
Protein change: p.Ser588Asn; replaces serine 588 with asparagine.
Molecular consequence: missense variant.
Genome position (GRCh38, 1-based): chr4:22,420,932, C>T on the plus strand (G>A on the coding strand, the complement: ADGRA3 is on the minus strand). VCF-style: chr4-22420932-C-T. GRCh37 (hg19) VCF-style: chr4-22422555-C-T.
Other names: short protein forms S588N.
Identifiers: ClinVar variation 4811751 (VCV004811751.1).

ClinVar aggregate classification (germline): Uncertain significance (1 of 4 stars; one submission).

Submission:

Labcorp Genetics (formerly Invitae), Labcorp
Classification: Uncertain significance. Last evaluated: 2025-02-15. Review status: criteria provided, single submitter. Criteria: Invitae Variant Classification Sherloc (09022015). Collection method: clinical testing. Allele origin: germline.
Comment: This sequence change replaces serine, which is neutral and polar, with asparagine, which is neutral and polar, at codon 588 of the ADGRA3 protein (p.Ser588Asn). This variant is not present in population databases (gnomAD no frequency). This variant has not been reported in the literature in individuals affected with ADGRA3-related conditions. An algorithm developed to predict the effect of missense changes on protein structure and function (PolyPhen-2) suggests that this variant is likely to be tolerated. In summary, the available evidence is currently insufficient to determine the role of this variant in disease. Therefore, it has been classified as a Variant of Uncertain Significance.